The following is an entry in ClinVar:

ClinVar aggregate classification (germline): Pathogenic (1 of 4 stars; one submission).

Conditions:
Osteogenesis imperfecta type I (OI1). Also called: Classic Non-deforming Osteogenesis Imperfecta with Blue Sclerae; Lobstein disease; OI, TYPE I; OSTEOGENESIS IMPERFECTA TARDA; OSTEOGENESIS IMPERFECTA WITH BLUE SCLERAE; Osteogenesis imperfecta type 1. Identifiers: Orphanet 216796, Orphanet 666, MedGen C0023931, MONDO:0008146, OMIM 166200. Disease mechanism: loss of function.

Submission:

Clinical Biomedical Laboratory, Shriners Hospital For Children - Canada
Classification: Pathogenic for Osteogenesis imperfecta type I. Last evaluated: 2025-07-16. Review status: criteria provided, single submitter. Criteria: ACMG Guidelines, 2015. Collection method: clinical testing. Allele origin: germline. Affected: yes.
Comment: This variant affects a consensus splice site in COL1A2. Variants affecting essential splice sites in COL1A1 are a typical cause of osteogenesis imperfecta. SpliceAI strongly predicts and effect on splicing (delta score 1.0). This variant is absent from the Genome Aggregation Database v.2.1.1, indicating it is very rare.

NM_000089.4(COL1A2):c.1503+2T>A

Gene: COL1A2 (collagen type I alpha 2 chain; plus strand). Cytogenetic location: 7q21.3.
Variant type: single nucleotide variant.
Coding change: c.1503+2T>A on transcript NM_000089.4 (MANE Select); the canonical splice donor site of the intron after coding-DNA position 1503, T replaced by A.
Molecular consequence: splice donor variant.
Genome position (GRCh38, 1-based): chr7:94,412,684, T>A. VCF-style: chr7-94412684-T-A. GRCh37 (hg19) VCF-style: chr7-94041996-T-A.
Identifiers: ClinVar variation 4075342 (VCV004075342.1).